The following is an entry in ClinVar:

ClinVar aggregate classification (germline): Uncertain significance (1 of 4 stars; one submission).

gnomAD v4.1: 2 of 1,614,144 alleles (0.00012%); highest among the groups gnomAD compares: Admixed American, 0.0033%; no homozygotes.

Submission:

Labcorp Genetics (formerly Invitae), Labcorp
Classification: Uncertain significance. Last evaluated: 2025-06-04. Review status: criteria provided, single submitter. Criteria: Invitae Variant Classification Sherloc (09022015). Collection method: clinical testing. Allele origin: germline.
Comment: This sequence change replaces serine, which is neutral and polar, with cysteine, which is neutral and slightly polar, at codon 763 of the EPHA4 protein (p.Ser763Cys). This variant is present in population databases (no rsID available, gnomAD 0.003%). This variant has not been reported in the literature in individuals affected with EPHA4-related conditions. Invitae Evidence Modeling of protein sequence and biophysical properties (such as structural, functional, and spatial information, amino acid conservation, physicochemical variation, residue mobility, and thermodynamic stability) indicates that this missense variant is expected to disrupt EPHA4 protein function with a positive predictive value of 80%. In summary, the available evidence is currently insufficient to determine the role of this variant in disease. Therefore, it has been classified as a Variant of Uncertain Significance.

NM_004438.5(EPHA4):c.2288C>G (p.Ser763Cys)

Gene: EPHA4 (EPH receptor A4; minus strand). Cytogenetic location: 2q36.1.
Variant type: single nucleotide variant.
Coding change: c.2288C>G on transcript NM_004438.5 (MANE Select); coding-DNA position 2288, C replaced by G.
Protein change: p.Ser763Cys; replaces serine 763 with cysteine.
Molecular consequence: missense variant.
Genome position (GRCh38, 1-based): chr2:221,436,457, G>C on the plus strand (C>G on the coding strand, the complement: EPHA4 is on the minus strand). VCF-style: chr2-221436457-G-C. GRCh37 (hg19) VCF-style: chr2-222301177-G-C.
Other names: c.2288C>G, p.Ser763Cys (NM_001304536.2, NM_001363748.2); c.2135C>G, p.Ser712Cys (NM_001304537.2); short protein forms S763C, S712C.
Identifiers: ClinVar variation 4770173 (VCV004770173.1).